The following is an entry in ClinVar:

NM_000718.4(CACNA1B):c.4397C>T (p.Thr1466Ile)

Gene: CACNA1B (calcium voltage-gated channel subunit alpha1 B; plus strand). Cytogenetic location: 9q34.3.
Variant type: single nucleotide variant.
Coding change: c.4397C>T on transcript NM_000718.4 (MANE Select); coding-DNA position 4397, C replaced by T.
Protein change: p.Thr1466Ile; replaces threonine 1466 with isoleucine.
Molecular consequence: missense variant.
Genome position (GRCh38, 1-based): chr9:138,058,657, C>T. VCF-style: chr9-138058657-C-T. GRCh37 (hg19) VCF-style: chr9-140953109-C-T.
Other names: c.4397C>T, p.Thr1466Ile (NM_001243812.2); short protein forms T1466I.
Identifiers: ClinVar variation 2178241 (VCV002178241.1), dbSNP rs1382604588, ClinGen allele CA375814594.

ClinVar aggregate classification (germline): Uncertain significance (1 of 4 stars; one submission).

Allele frequency attached by ClinVar (database versions not stated): gnomAD 0.00001; gnomAD exomes 0.00001; TOPMed 0.00001.

Submission:

Labcorp Genetics (formerly Invitae), Labcorp
Classification: Uncertain significance. Last evaluated: 2022-04-10. Review status: criteria provided, single submitter. Criteria: Invitae Variant Classification Sherloc (09022015). Collection method: clinical testing. Allele origin: germline.
Comment: This sequence change replaces threonine, which is neutral and polar, with isoleucine, which is neutral and non-polar, at codon 1466 of the CACNA1B protein (p.Thr1466Ile). This variant is present in population databases (no rsID available, gnomAD 0.002%). This variant has not been reported in the literature in individuals affected with CACNA1B-related conditions. Advanced modeling of protein sequence and biophysical properties (such as structural, functional, and spatial information, amino acid conservation, physicochemical variation, residue mobility, and thermodynamic stability) performed at Invitae indicates that this missense variant is not expected to disrupt CACNA1B protein function. In summary, the available evidence is currently insufficient to determine the role of this variant in disease. Therefore, it has been classified as a Variant of Uncertain Significance.